The following is an entry in ClinVar:

ClinVar aggregate classification (germline): Conflicting classifications of pathogenicity. Review status: criteria provided, conflicting classifications (1 of 4 stars). 6 submissions from 5 submitters: Uncertain significance (5); Benign (1). Last evaluated 2022-06-11.

Conditions:
Cardiovascular phenotype. Identifiers: MedGen CN230736.
Catecholaminergic polymorphic ventricular tachycardia 1. Also called: VENTRICULAR TACHYCARDIA, STRESS-INDUCED POLYMORPHIC 1; VENTRICULAR TACHYCARDIA, CATECHOLAMINERGIC POLYMORPHIC, 1, WITH OR WITHOUT ATRIAL DYSFUNCTION AND/OR DILATED CARDIOMYOPATHY; RYR2-Related Catecholaminergic Polymorphic Ventricular Tachycardia. Identifiers: Orphanet 3286, MedGen C1631597, MONDO:0011484, OMIM 604772.
Primary familial hypertrophic cardiomyopathy (HCM). Identifiers: Orphanet 99739, MedGen C0949658, MeSH D024741, MONDO:0024573. Inheritance: Various modes of inheritance.
Arrhythmogenic right ventricular dysplasia 2. Identifiers: MedGen C1832931.

Allele frequency attached by ClinVar (database versions not stated): gnomAD exomes below 0.00001 and 0.00001; ExAC 0.00001; TOPMed 0.00001.
gnomAD v4.1: 9 of 1,606,770 alleles (0.00056%); highest among the groups gnomAD compares: South Asian, 0.0033%; no homozygotes.

Submissions (6):

Labcorp Genetics (formerly Invitae), Labcorp
Classification: Benign for Catecholaminergic polymorphic ventricular tachycardia 1. Last evaluated: 2022-06-11. Review status: criteria provided, single submitter. Criteria: Invitae Variant Classification Sherloc (09022015). Collection method: clinical testing. Allele origin: germline.

GeneDx
Classification: Uncertain significance. Last evaluated: 2022-04-28. Review status: criteria provided, single submitter. Criteria: GeneDx Variant Classification Process June 2021. Collection method: clinical testing. Allele origin: germline. Affected: yes.
Comment: Has not been previously published as pathogenic or benign to our knowledge; Not observed at significant frequency in large population cohorts (gnomAD); Not located in one of the three hot-spot regions of the RYR2 gene, where the majority of pathogenic missense variants occur (Medeiros-Domingo et al., 2009); In silico analysis supports that this missense variant does not alter protein structure/function; This variant is associated with the following publications: (PMID: 19926015)

Ambry Genetics
Classification: Uncertain significance for Cardiovascular phenotype. Last evaluated: 2021-04-14. Review status: criteria provided, single submitter. Criteria: Ambry Variant Classification Scheme 2023. Collection method: clinical testing. Allele origin: germline.
Comment: The p.R1888Q variant (also known as c.5663G>A), located in coding exon 37 of the RYR2 gene, results from a G to A substitution at nucleotide position 5663. The arginine at codon 1888 is replaced by glutamine, an amino acid with highly similar properties. This amino acid position is not well conserved in available vertebrate species. In addition, this alteration is predicted to be tolerated by in silico analysis. Since supporting evidence is limited at this time, the clinical significance of this alteration remains unclear.

Illumina Laboratory Services, Illumina
Classification: Uncertain significance for Catecholaminergic polymorphic ventricular tachycardia 1. Last evaluated: 2018-01-13. Review status: criteria provided, single submitter. Criteria: ICSL Variant Classification Criteria 13 December 2019. Collection method: clinical testing. Allele origin: germline.

Illumina Laboratory Services, Illumina
Classification: Uncertain significance for Catecholaminergic polymorphic ventricular tachycardia 1. Last evaluated: 2018-01-13. Review status: criteria provided, single submitter. Criteria: ICSL Variant Classification Criteria 13 December 2019. Collection method: clinical testing. Allele origin: germline.

Blueprint Genetics
Classification: Uncertain significance for Primary familial hypertrophic cardiomyopathy. Last evaluated: 2015-11-12. Review status: criteria provided, single submitter. Criteria: Variant Classification. Collection method: clinical testing. Allele origin: germline. Affected: yes. Observed: 1 variant allele.

NM_001035.3(RYR2):c.5663G>A (p.Arg1888Gln)

Gene: RYR2 (ryanodine receptor 2; plus strand). Cytogenetic location: 1q43.
Variant type: single nucleotide variant.
Coding change: c.5663G>A on transcript NM_001035.3 (MANE Select); coding-DNA position 5663, G replaced by A.
Protein change: p.Arg1888Gln; replaces arginine 1888 with glutamine.
Molecular consequence: missense variant.
Genome position (GRCh38, 1-based): chr1:237,614,791, G>A. VCF-style: chr1-237614791-G-A. GRCh37 (hg19) VCF-style: chr1-237778091-G-A.
Other names: c.5663G>A, p.Arg1888Gln (LRG_402t1); short protein forms R1888Q.
Identifiers: ClinVar variation 222788 (VCV000222788.17), dbSNP rs869025511, ClinGen allele CA351717.
Genomic context (GRCh38, chr1:237,614,791, plus strand): 5'-TCAGTGTGGACGATGCAAAGCTGCAAGGAGCTGGTGAGGAAGAAGCCAAGGGGGGCAAGC[G>A]GCCCAAGGAAGGCCTGCTCCAAATGAAACTGCCAGAGCCAGTTAAATTGCAGGTAATCAG-3'
Protein context (NP_001026.2, residues 1878-1898): AGEEEAKGGK[Arg1888Gln]PKEGLLQMKL